The following is an entry in ClinVar:

NM_006231.4(POLE):c.2923C>A (p.Arg975Ser)

Gene: POLE (DNA polymerase epsilon, catalytic subunit; minus strand). Cytogenetic location: 12q24.33.
Variant type: single nucleotide variant.
Coding change: c.2923C>A on transcript NM_006231.4 (MANE Select); coding-DNA position 2923, C replaced by A.
Protein change: p.Arg975Ser; replaces arginine 975 with serine.
Molecular consequence: missense variant.
Genome position (GRCh38, 1-based): chr12:132,661,106, G>T on the plus strand (C>A on the coding strand, the complement: POLE is on the minus strand). VCF-style: chr12-132661106-G-T. GRCh37 (hg19) VCF-style: chr12-133237692-G-T.
Other names: short protein forms R975S.
Identifiers: ClinVar variation 2820886 (VCV002820886.3), dbSNP rs753759783, ClinGen allele CA387392680.

ClinVar aggregate classification (germline): Uncertain significance (1 of 4 stars; one submission).

Submission:

Labcorp Genetics (formerly Invitae), Labcorp
Classification: Uncertain significance. Last evaluated: 2022-12-15. Review status: criteria provided, single submitter. Criteria: Invitae Variant Classification Sherloc (09022015). Collection method: clinical testing. Allele origin: germline.
Comment: This sequence change replaces arginine, which is basic and polar, with serine, which is neutral and polar, at codon 975 of the POLE protein (p.Arg975Ser). This variant is not present in population databases (gnomAD no frequency). This variant has not been reported in the literature in individuals affected with POLE-related conditions. Advanced modeling of protein sequence and biophysical properties (such as structural, functional, and spatial information, amino acid conservation, physicochemical variation, residue mobility, and thermodynamic stability) performed at Invitae indicates that this missense variant is expected to disrupt POLE protein function. In summary, the available evidence is currently insufficient to determine the role of this variant in disease. Therefore, it has been classified as a Variant of Uncertain Significance.